The following is an entry in ClinVar:

ClinVar aggregate classification (germline): Uncertain significance. Review status: criteria provided, multiple submitters, no conflicts (2 of 4 stars). 2 submissions from 2 submitters: Uncertain significance (2). Last evaluated 2025-02-21.

Allele frequency attached by ClinVar (database versions not stated): 1000 Genomes Project 0.00020; ExAC 0.00002; gnomAD 0.00002; gnomAD exomes 0.00002; TOPMed 0.00002; 1000 Genomes Project 30x 0.00016.

Submissions (2):

GeneDx
Classification: Uncertain significance. Last evaluated: 2025-02-21. Review status: criteria provided, single submitter. Criteria: GeneDx Variant Classification Process June 2021. Collection method: clinical testing. Allele origin: germline. Affected: yes.
Comment: In silico analysis indicates that this missense variant does not alter protein structure/function; Has not been previously published as pathogenic or benign to our knowledge

Labcorp Genetics (formerly Invitae), Labcorp
Classification: Uncertain significance. Last evaluated: 2022-01-11. Review status: criteria provided, single submitter. Criteria: Invitae Variant Classification Sherloc (09022015). Collection method: clinical testing. Allele origin: germline.
Comment: This sequence change replaces arginine, which is basic and polar, with cysteine, which is neutral and slightly polar, at codon 277 of the SC5D protein (p.Arg277Cys). This variant is present in population databases (rs118099079, gnomAD 0.004%). This variant has not been reported in the literature in individuals affected with SC5D-related conditions. Algorithms developed to predict the effect of missense changes on protein structure and function output the following: SIFT: "Tolerated"; PolyPhen-2: "Benign"; Align-GVGD: "Class C0". The cysteine amino acid residue is found in multiple mammalian species, which suggests that this missense change does not adversely affect protein function. In summary, the available evidence is currently insufficient to determine the role of this variant in disease. Therefore, it has been classified as a Variant of Uncertain Significance.

NM_006918.5(SC5D):c.829C>T (p.Arg277Cys)

Gene: SC5D (sterol-C5-desaturase; plus strand). Cytogenetic location: 11q24.1.
Variant type: single nucleotide variant.
Coding change: c.829C>T on transcript NM_006918.5 (MANE Select); coding-DNA position 829, C replaced by T.
Protein change: p.Arg277Cys; replaces arginine 277 with cysteine.
Molecular consequence: missense variant.
Genome position (GRCh38, 1-based): chr11:121,307,441, C>T. VCF-style: chr11-121307441-C-T. GRCh37 (hg19) VCF-style: chr11-121178150-C-T.
Other names: c.829C>T (NM_006918.4); c.829C>T, p.Arg277Cys (NM_001024956.3); short protein forms R277C.
Identifiers: ClinVar variation 1931716 (VCV001931716.3), dbSNP rs118099079, ClinGen allele CA6328233.